The following is an entry in ClinVar:

ClinVar aggregate classification (germline): Pathogenic (1 of 4 stars; one submission).

Conditions:
Alstrom syndrome (ALMS). Identifiers: Orphanet 64, MedGen C0268425, MONDO:0008763, OMIM 203800.

Submission:

Labcorp Genetics (formerly Invitae), Labcorp
Classification: Pathogenic for Alstrom syndrome. Last evaluated: 2020-02-08. Review status: criteria provided, single submitter. Criteria: Invitae Variant Classification Sherloc (09022015). Collection method: clinical testing. Allele origin: germline.
Comment: This variant is not present in population databases (ExAC no frequency). For these reasons, this variant has been classified as Pathogenic. Loss-of-function variants in ALMS1 are known to be pathogenic (PMID: 17594715). This variant has not been reported in the literature in individuals with ALMS1-related conditions. This sequence change creates a premature translational stop signal (p.Val744Lysfs*37) in the ALMS1 gene. It is expected to result in an absent or disrupted protein product.

Literature cited by the submitters: PubMed 17594715.

NM_001378454.1(ALMS1):c.2225_2226dup (p.Val743fs)

Gene: ALMS1 (ALMS1 centrosome and basal body associated protein; plus strand). Cytogenetic location: 2p13.1.
Variant type: Duplication.
Coding change: c.2225_2226dup on transcript NM_001378454.1 (MANE Select); coding-DNA positions 2225 to 2226, 2 bases duplicated (AA; older notation c.2225_2226dupAA).
Protein change: p.Val743fs; shifts the reading frame from valine 743.
Molecular consequence: frameshift variant.
Genome position (GRCh38, 1-based): chr2:73,448,752-73,448,753, AA duplicated; duplicating any 2 consecutive bases within chr2:73,448,751-73,448,753 gives the same sequence; the c. name uses the placement nearest the transcript's 3' end. VCF-style (leftmost placement, unchanged base first): chr2-73448750-T-TAA. GRCh37 (hg19) VCF-style: chr2-73675877-T-TAA.
Other names: c.2228_2229dup, p.Val744fs (NM_015120.4); short protein forms V743fs, V744fs.
Identifiers: ClinVar variation 1070538 (VCV001070538.7), dbSNP rs2103774323, ClinGen allele CA2499216243.